The following is an entry in ClinVar:

ClinVar aggregate classification (germline): Pathogenic/Likely pathogenic. Review status: criteria provided, multiple submitters, no conflicts (2 of 4 stars). 5 submissions from 5 submitters: Pathogenic (3); Likely pathogenic (2). Last evaluated 2026-03-20.

Conditions:
Pontocerebellar hypoplasia type 2D (PCH2D). Also called: Progressive cerebello-cerebral atrophy. Identifiers: Orphanet 247198, Orphanet 2524, MedGen C3151140, MONDO:0013438, OMIM 613811.

Allele frequency attached by ClinVar (database versions not stated): gnomAD exomes 0.00001.

Submissions (5):

Myriad Genetics, Inc.
Classification: Pathogenic for Pontocerebellar hypoplasia type 2D. Last evaluated: 2026-03-20. Review status: criteria provided, single submitter. Criteria: Myriad Autosomal Dominant, Autosomal Recessive and X-Linked Classification Criteria (2023). Collection method: clinical testing. Allele origin: unknown.
Comment: NM_016955.3(SEPSECS):c.466C>T(R156*) is a nonsense variant classified as pathogenic in the context of pontocerebellar hypoplasia, SEPSECS-related. R156* has not been observed in cases with relevant disease. Relevant functional assessments of this variant are not available in the literature. R156* has not been observed in referenced population frequency databases. In summary, NM_016955.3(SEPSECS):c.466C>T(R156*) is a nonsense variant in a gene where loss of function is a known mechanism of disease and is predicted to disrupt protein function. Please note: this variant was assessed in the context of healthy population screening.

Natera, Inc.
Classification: Likely pathogenic for Pontocerebellar hypoplasia type 2d. Last evaluated: 2025-05-08. Review status: criteria provided, single submitter. Criteria: Natera Variant Classification Schema (03/2026). Collection method: clinical testing. Allele origin: germline.
Comment: The c.466C>T variant in SEPSECS is a nonsense variant predicted to introduce a stop codon at amino acid 156. This variant is expected to result in nonsense mediated decay, truncation, or a dysfunctional protein product. This variant is rare in the general population with a frequency below the threshold expected for the associated phenotype(s). Given the available evidence, this variant is classified as Likely Pathogenic.

Revvity Omics, Revvity
Classification: Likely pathogenic for Pontocerebellar hypoplasia type 2D. Last evaluated: 2023-11-20. Review status: criteria provided, single submitter. Criteria: ACMG Guidelines, 2015. Collection method: clinical testing. Allele origin: germline.

Labcorp Genetics (formerly Invitae), Labcorp
Classification: Pathogenic. Last evaluated: 2023-05-01. Review status: criteria provided, single submitter. Criteria: Invitae Variant Classification Sherloc (09022015). Collection method: clinical testing. Allele origin: germline.
Comment: For these reasons, this variant has been classified as Pathogenic. ClinVar contains an entry for this variant (Variation ID: 1072606). This variant has not been reported in the literature in individuals affected with SEPSECS-related conditions. This variant is not present in population databases (gnomAD no frequency). This sequence change creates a premature translational stop signal (p.Arg156*) in the SEPSECS gene. It is expected to result in an absent or disrupted protein product. Loss-of-function variants in SEPSECS are known to be pathogenic (PMID: 25558065, 25590979, 26115735).

Kariminejad - Najmabadi Pathology & Genetics Center
Classification: Pathogenic for Pontocerebellar hypoplasia type 2D. Review status: criteria provided, single submitter. Criteria: ACMG Guidelines, 2015. Collection method: clinical testing. Allele origin: germline. Affected: no.

Literature cited by the submitters: PubMed 25558065 (cited by Labcorp Genetics (formerly Invitae), Labcorp); PubMed 25590979 (cited by Labcorp Genetics (formerly Invitae), Labcorp); PubMed 26115735 (cited by Labcorp Genetics (formerly Invitae), Labcorp).

NM_016955.4(SEPSECS):c.466C>T (p.Arg156Ter)

Gene: SEPSECS (Sep (O-phosphoserine) tRNA:Sec (selenocysteine) tRNA synthase; minus strand). Cytogenetic location: 4p15.2.
Variant type: single nucleotide variant.
Coding change: c.466C>T on transcript NM_016955.4 (MANE Select); coding-DNA position 466, C replaced by T.
Protein change: p.Arg156Ter; replaces arginine 156 with a stop codon.
Molecular consequence: nonsense.
Genome position (GRCh38, 1-based): chr4:25,156,118, G>A on the plus strand (C>T on the coding strand, the complement: SEPSECS is on the minus strand). VCF-style: chr4-25156118-G-A. GRCh37 (hg19) VCF-style: chr4-25157740-G-A.
Other names: c.466C>T (NM_016955.3); short protein forms R156*.
Identifiers: ClinVar variation 1072606 (VCV001072606.14), dbSNP rs1712612053, ClinGen allele CA356542356.